The following is an entry in ClinVar:

ClinVar aggregate classification (germline): Uncertain significance. Review status: criteria provided, multiple submitters, no conflicts (2 of 4 stars). 2 submissions from 2 submitters: Uncertain significance (2). Last evaluated 2025-10-24.

Conditions:
Gastrointestinal stromal tumor. Also called: Gastrointestinal stroma tumor; Gastrointestinal stromal tumor, somatic. Identifiers: Orphanet 44890, MedGen C0238198, MeSH D046152, MONDO:0011719, OMIM 606764, HP:0100723.
Hereditary cancer-predisposing syndrome. Also called: Hereditary neoplastic syndrome; Tumor predisposition; Hereditary Cancer Syndrome; Neoplastic Syndromes, Hereditary. Identifiers: Orphanet 140162, MedGen C0027672, MeSH D009386, MONDO:0015356.

Submissions (2):

Labcorp Genetics (formerly Invitae), Labcorp
Classification: Uncertain significance for Gastrointestinal stromal tumor. Last evaluated: 2025-10-24. Review status: criteria provided, single submitter. Criteria: Invitae Variant Classification Sherloc (09022015). Collection method: clinical testing. Allele origin: germline.
Comment: This sequence change replaces serine, which is neutral and polar, with asparagine, which is neutral and polar, at codon 636 of the PDGFRA protein (p.Ser636Asn). This variant is not present in population databases (gnomAD no frequency). This variant has not been reported in the literature in individuals affected with PDGFRA-related conditions. ClinVar contains an entry for this variant (Variation ID: 1448936). Invitae Evidence Modeling of protein sequence and biophysical properties (such as structural, functional, and spatial information, amino acid conservation, physicochemical variation, residue mobility, and thermodynamic stability) indicates that this missense variant is not expected to disrupt PDGFRA protein function with a negative predictive value of 80%. In summary, the available evidence is currently insufficient to determine the role of this variant in disease. Therefore, it has been classified as a Variant of Uncertain Significance.

Ambry Genetics
Classification: Uncertain significance for Hereditary cancer-predisposing syndrome. Last evaluated: 2023-09-20. Review status: criteria provided, single submitter. Criteria: Ambry Variant Classification Scheme 2023. Collection method: clinical testing. Allele origin: germline.
Comment: The p.S636N variant (also known as c.1907G>A), located in coding exon 13 of the PDGFRA gene, results from a G to A substitution at nucleotide position 1907. The serine at codon 636 is replaced by asparagine, an amino acid with highly similar properties. This amino acid position is conserved. In addition, the in silico prediction for this alteration is inconclusive. Since supporting evidence is limited at this time, the clinical significance of this alteration remains unclear.

NM_006206.6(PDGFRA):c.1907G>A (p.Ser636Asn)

Gene: PDGFRA (platelet derived growth factor receptor alpha; plus strand). Cytogenetic location: 4q12.
Variant type: single nucleotide variant.
Coding change: c.1907G>A on transcript NM_006206.6 (MANE Select); coding-DNA position 1907, G replaced by A.
Protein change: p.Ser636Asn; replaces serine 636 with asparagine.
Molecular consequence: missense variant.
Genome position (GRCh38, 1-based): chr4:54,277,911, G>A. VCF-style: chr4-54277911-G-A. GRCh37 (hg19) VCF-style: chr4-55144078-G-A.
Other names: c.1907G>A, p.Ser636Asn (NM_001347827.2, NM_001347829.2); c.1982G>A, p.Ser661Asn (NM_001347828.2); c.1946G>A, p.Ser649Asn (NM_001347830.2); short protein forms S636N, S649N, S661N.
Identifiers: ClinVar variation 1448936 (VCV001448936.10), dbSNP rs1723827579, ClinGen allele CA356893591.
Genomic context (GRCh38, chr4:54,277,911, plus strand): 5'-GTTGGTAGCTCAGCTGGACTGATATGTGATTTATTCTTTCAACAGCCACGGCCAGATCCA[G>A]TGAAAAACAAGCTCTCATGTCTGAACTGAAGATAATGACTCACCTGGGGCCACATTTGAA-3'
Protein context (NP_006197.1, residues 626-646): VKMLKPTARS[Ser636Asn]EKQALMSELK